The following is an entry in ClinVar:

ClinVar aggregate classification (germline): Uncertain significance (1 of 4 stars; one submission).

Allele frequency attached by ClinVar (database versions not stated): gnomAD 0.00001; gnomAD exomes 0.00001; TOPMed 0.00002.
gnomAD v4.1: 13 of 1,614,022 alleles (0.00081%); highest among the groups gnomAD compares: East Asian, 0.0022%; no homozygotes.

Submission:

Labcorp Genetics (formerly Invitae), Labcorp
Classification: Uncertain significance. Last evaluated: 2022-07-31. Review status: criteria provided, single submitter. Criteria: Invitae Variant Classification Sherloc (09022015). Collection method: clinical testing. Allele origin: germline.
Comment: This sequence change replaces arginine, which is basic and polar, with glutamine, which is neutral and polar, at codon 761 of the RNF216 protein (p.Arg761Gln). This variant is not present in population databases (gnomAD no frequency). This variant has not been reported in the literature in individuals affected with RNF216-related conditions. Algorithms developed to predict the effect of missense changes on protein structure and function are either unavailable or do not agree on the potential impact of this missense change (SIFT: "Deleterious"; PolyPhen-2: "Probably Damaging"; Align-GVGD: "Class C0"). In summary, the available evidence is currently insufficient to determine the role of this variant in disease. Therefore, it has been classified as a Variant of Uncertain Significance.

NM_207111.4(RNF216):c.2282G>A (p.Arg761Gln)

Gene: RNF216 (ring finger protein 216; minus strand). Cytogenetic location: 7p22.1.
Variant type: single nucleotide variant.
Coding change: c.2282G>A on transcript NM_207111.4 (MANE Select); coding-DNA position 2282, G replaced by A.
Protein change: p.Arg761Gln; replaces arginine 761 with glutamine.
Molecular consequence: missense variant.
Genome position (GRCh38, 1-based): chr7:5,641,254, C>T on the plus strand (G>A on the coding strand, the complement: RNF216 is on the minus strand). VCF-style: chr7-5641254-C-T. GRCh37 (hg19) VCF-style: chr7-5680885-C-T.
Other names: c.2111G>A, p.Arg704Gln (NM_001377156.1, NM_207116.3); short protein forms R761Q, R704Q.
Identifiers: ClinVar variation 1904724 (VCV001904724.5), dbSNP rs1461715422, ClinGen allele CA366711137.